The following is an entry in ClinVar:

NM_006904.7(PRKDC):c.2174T>G (p.Leu725Arg)

Gene: PRKDC (protein kinase, DNA-activated, catalytic subunit; minus strand). Cytogenetic location: 8q11.21.
Variant type: single nucleotide variant.
Coding change: c.2174T>G on transcript NM_006904.7 (MANE Select); coding-DNA position 2174, T replaced by G.
Protein change: p.Leu725Arg; replaces leucine 725 with arginine.
Molecular consequence: missense variant.
Genome position (GRCh38, 1-based): chr8:47,927,856, A>C on the plus strand (T>G on the coding strand, the complement: PRKDC is on the minus strand). VCF-style: chr8-47927856-A-C. GRCh37 (hg19) VCF-style: chr8-48840416-A-C.
Other names: c.2174T>G, p.Leu725Arg (NM_001081640.2); short protein forms L725R.
Identifiers: ClinVar variation 3310106 (VCV003310106.1).

ClinVar aggregate classification (germline): Uncertain significance (1 of 4 stars; one submission).

Submission:

Ambry Genetics
Classification: Uncertain significance. Last evaluated: 2024-04-05. Review status: criteria provided, single submitter. Criteria: Ambry Variant Classification Scheme 2023. Collection method: clinical testing. Allele origin: germline.
Comment: The p.L725R variant (also known as c.2174T>G), located in coding exon 20 of the PRKDC gene, results from a T to G substitution at nucleotide position 2174. The leucine at codon 725 is replaced by arginine, an amino acid with dissimilar properties. This amino acid position is conserved. In addition, this alteration is predicted to be deleterious by in silico analysis. Based on the available evidence, the clinical significance of this variant remains unclear.